The following is an entry in ClinVar:

ClinVar aggregate classification (germline): Uncertain significance (1 of 4 stars; one submission).

Submission:

Labcorp Genetics (formerly Invitae), Labcorp
Classification: Uncertain significance. Last evaluated: 2025-02-10. Review status: criteria provided, single submitter. Criteria: Invitae Variant Classification Sherloc (09022015). Collection method: clinical testing. Allele origin: germline.
Comment: This sequence change replaces glycine, which is neutral and non-polar, with aspartic acid, which is acidic and polar, at codon 281 of the SLC25A4 protein (p.Gly281Asp). This variant is not present in population databases (gnomAD no frequency). This variant has not been reported in the literature in individuals affected with SLC25A4-related conditions. Invitae Evidence Modeling of protein sequence and biophysical properties (such as structural, functional, and spatial information, amino acid conservation, physicochemical variation, residue mobility, and thermodynamic stability) indicates that this missense variant is expected to disrupt SLC25A4 protein function with a positive predictive value of 80%. In summary, the available evidence is currently insufficient to determine the role of this variant in disease. Therefore, it has been classified as a Variant of Uncertain Significance.

NM_001151.4(SLC25A4):c.842G>A (p.Gly281Asp)

Gene: SLC25A4 (solute carrier family 25 member 4; plus strand). Cytogenetic location: 4q35.1.
Variant type: single nucleotide variant.
Coding change: c.842G>A on transcript NM_001151.4 (MANE Select); coding-DNA position 842, G replaced by A.
Protein change: p.Gly281Asp; replaces glycine 281 with aspartic acid.
Molecular consequence: missense variant.
Genome position (GRCh38, 1-based): chr4:185,146,916, G>A. VCF-style: chr4-185146916-G-A. GRCh37 (hg19) VCF-style: chr4-186068070-G-A.
Other names: short protein forms G281D.
Identifiers: ClinVar variation 4739187 (VCV004739187.1).
Genomic context (GRCh38, chr4:185,146,916, plus strand): 5'-TTGCAAAAGACGAAGGAGCCAAGGCCTTCTTCAAAGGTGCCTGGTCCAATGTGCTGAGAG[G>A]CATGGGCGGTGCTTTTGTATTGGTGTTGTATGATGAGATCAAAAAATATGTCTAATGTAA-3'
Protein context (NP_001142.2, residues 271-291): FKGAWSNVLR[Gly281Asp]MGGAFVLVLY